The following is an entry in ClinVar:

NC_000001.10:g.(97658805_97700407)_(97700551_97770814)del

Gene: DPYD (dihydropyrimidine dehydrogenase; minus strand). Cytogenetic location: 1p21.3.
Variant type: Deletion.
Identifiers: ClinVar variation 2503882 (VCV002503882.1).

ClinVar aggregate classification (germline): Likely pathogenic (1 of 4 stars; one submission).

Conditions:
Dihydropyrimidine dehydrogenase deficiency (DPYDD). Also called: Hereditary Thymine-Uraciluria; DPD DEFICIENCY; DPYD DEFICIENCY. Identifiers: Orphanet 1675, MedGen C1959620, MONDO:0010130, OMIM 274270.

Submission:

Women's Health and Genetics/Laboratory Corporation of America, LabCorp
Classification: Likely pathogenic for Dihydropyrimidine dehydrogenase deficiency. Last evaluated: 2023-04-11. Review status: criteria provided, single submitter. Criteria: LabCorp Variant Classification Summary - May 2015. Collection method: clinical testing. Allele origin: germline.
Comment: Variant summary: The variant identified by MLPA or other technology involves the deletion of exon 19 in the DPYD gene. A presumed nomenclature of c.(2299+1_2300-1)_(2442+1_2443-1)del has been designated for the purposes of this classification. Although exact breakpoints of this deletion are not known, it is expected to result in a frameshift in the DPYD gene, a known mechanism of disease. The variant was absent in 21694 control chromosomes (gnomAD, Structural Variants dataset). To our knowledge, no occurrence of c.(2299+1_2300-1)_(2442+1_2443-1)del in individuals affected with Dihydropyrimidine Dehydrogenase Deficiency and no experimental evidence demonstrating its impact on protein function have been reported. However, a splice variant at the donor splicing site of exon 19 (c.2242+1G>T) was demonstrated to result in exon 19 skipping at the RNA level, and was reported in an individual who experienced 5-fluoropyrimidine toxicity (PMID 30349384). No submitters have provided clinical-significance assessments for this variant to ClinVar after 2014. Based on the evidence outlined above, the variant was classified as likely pathogenic.